The following is an entry in ClinVar:

NM_001134363.3(RBM20):c.2422G>T (p.Gly808Trp)

Gene: RBM20 (RNA binding motif protein 20; plus strand). Cytogenetic location: 10q25.2.
Variant type: single nucleotide variant.
Coding change: c.2422G>T on transcript NM_001134363.3 (MANE Select); coding-DNA position 2422, G replaced by T.
Protein change: p.Gly808Trp; replaces glycine 808 with tryptophan.
Molecular consequence: missense variant.
Genome position (GRCh38, 1-based): chr10:110,812,819, G>T. VCF-style: chr10-110812819-G-T. GRCh37 (hg19) VCF-style: chr10-112572577-G-T.
Other names: c.2422G>T (NM_001134363.1); short protein forms G808W.
Identifiers: ClinVar variation 1502414 (VCV001502414.7), dbSNP rs1844791428, ClinGen allele CA378373935.
Genomic context (GRCh38, chr10:110,812,819, plus strand): 5'-GCCAGGCTGCGGGAAAGCAGACACCCCCATCCGGATGACTCAGGCAAGGAAGATGGGCTG[G>T]GGCCAAAGGTCACTAGGGCCCCTGAGGGCGCCAAGGCCAAGCAGAATGAGAAAAATAAAA-3'
Protein context (NP_001127835.2, residues 798-818): PDDSGKEDGL[Gly808Trp]PKVTRAPEGA

ClinVar aggregate classification (germline): Uncertain significance. Review status: criteria provided, multiple submitters, no conflicts (2 of 4 stars). 2 submissions from 2 submitters: Uncertain significance (2). Last evaluated 2025-08-27.

Conditions:
Cardiovascular phenotype. Identifiers: MedGen CN230736.
Dilated cardiomyopathy 1DD (CMD1DD). Identifiers: Orphanet 154, MedGen C2750995, MONDO:0013168, OMIM 613172.

Allele frequency attached by ClinVar (database versions not stated): TOPMed 0.00001.

Submissions (2):

Ambry Genetics
Classification: Uncertain significance for Cardiovascular phenotype. Last evaluated: 2025-08-27. Review status: criteria provided, single submitter. Criteria: Ambry Variant Classification Scheme 2023. Collection method: clinical testing. Allele origin: germline.

Labcorp Genetics (formerly Invitae), Labcorp
Classification: Uncertain significance for Dilated cardiomyopathy 1DD. Last evaluated: 2023-10-16. Review status: criteria provided, single submitter. Criteria: Invitae Variant Classification Sherloc (09022015). Collection method: clinical testing. Allele origin: germline.
Comment: This sequence change replaces glycine, which is neutral and non-polar, with tryptophan, which is neutral and slightly polar, at codon 808 of the RBM20 protein (p.Gly808Trp). This variant is not present in population databases (gnomAD no frequency). This variant has not been reported in the literature in individuals affected with RBM20-related conditions. ClinVar contains an entry for this variant (Variation ID: 1502414). Advanced modeling of protein sequence and biophysical properties (such as structural, functional, and spatial information, amino acid conservation, physicochemical variation, residue mobility, and thermodynamic stability) performed at Invitae indicates that this missense variant is not expected to disrupt RBM20 protein function. In summary, the available evidence is currently insufficient to determine the role of this variant in disease. Therefore, it has been classified as a Variant of Uncertain Significance.